The following is an entry in ClinVar:

ClinVar aggregate classification (germline): Likely benign. Review status: criteria provided, multiple submitters, no conflicts (2 of 4 stars). 3 submissions from 3 submitters: Likely benign (3). Last evaluated 2025-09-23.

Conditions:
Microcephalic osteodysplastic primordial dwarfism type II (MOPD2). Also called: MOPD II; OSTEODYSPLASTIC PRIMORDIAL DWARFISM, TYPE II; Microcephalic osteodysplastic primordial dwarfism with tooth abnormalities. Identifiers: Orphanet 2637, MedGen C0432246, MONDO:0008872, OMIM 210720.
PCNT-related disorder. Also called: PCNT-related condition.

Allele frequency attached by ClinVar (database versions not stated): TOPMed 0.00002.
gnomAD v4.1: 21 of 1,598,206 alleles (0.0013%); highest among the groups gnomAD compares: East Asian, 0.0045%; no homozygotes.

Submissions (3):

Labcorp Genetics (formerly Invitae), Labcorp
Classification: Likely benign. Last evaluated: 2025-09-23. Review status: criteria provided, single submitter. Criteria: Invitae Variant Classification Sherloc (09022015). Collection method: clinical testing. Allele origin: germline.

PreventionGenetics, part of Exact Sciences
Classification: Likely benign for PCNT-related condition. Last evaluated: 2025-05-16. Review status: criteria provided, single submitter. Criteria: ACMG Guidelines, 2015. Collection method: clinical testing. Allele origin: germline.
Comment: This variant is classified as likely benign based on ACMG/AMP sequence variant interpretation guidelines (Richards et al. 2015 PMID: 25741868, with internal and published modifications).

ARUP Laboratories, Molecular Genetics and Genomics, ARUP Laboratories
Classification: Likely benign for Microcephalic osteodysplastic primordial dwarfism type II. Last evaluated: 2020-07-02. Review status: criteria provided, single submitter. Criteria: ARUP Molecular Germline Variant Investigation Process. Collection method: clinical testing. Allele origin: germline.

NM_006031.6(PCNT):c.924G>A (p.Glu308=)

Gene: PCNT (pericentrin; plus strand). Cytogenetic location: 21q22.3.
Variant type: single nucleotide variant.
Coding change: c.924G>A on transcript NM_006031.6 (MANE Select); coding-DNA position 924, G replaced by A.
Protein change: p.Glu308=; no amino-acid change (glutamic acid 308 retained).
Molecular consequence: synonymous variant.
Genome position (GRCh38, 1-based): chr21:46,346,946, G>A. VCF-style: chr21-46346946-G-A. GRCh37 (hg19) VCF-style: chr21-47766860-G-A.
Other names: c.570G>A, p.Glu190= (NM_001315529.2); c.924G>A (NM_006031.5).
Identifiers: ClinVar variation 994366 (VCV000994366.12), dbSNP rs146178359, ClinGen allele CA10078445.